The following is an entry in ClinVar:

NM_016006.6(ABHD5):c.379G>A (p.Val127Met)

Gene: ABHD5 (abhydrolase domain containing 5, lysophosphatidic acid acyltransferase; plus strand). Cytogenetic location: 3p21.33.
Variant type: single nucleotide variant.
Coding change: c.379G>A on transcript NM_016006.6 (MANE Select); coding-DNA position 379, G replaced by A.
Protein change: p.Val127Met; replaces valine 127 with methionine.
Molecular consequence: missense variant. On other transcripts: non-coding transcript variant (1).
Genome position (GRCh38, 1-based): chr3:43,702,460, G>A. VCF-style: chr3-43702460-G-A. GRCh37 (hg19) VCF-style: chr3-43743952-G-A.
Other names: c.379G>A, p.Val127Met (NM_001355186.2, NM_001365650.1); c.256G>A, p.Val86Met (NM_001365649.1); short protein forms V127M, V86M.
Identifiers: ClinVar variation 2099897 (VCV002099897.4), dbSNP rs1210999708, ClinGen allele CA352345697.

ClinVar aggregate classification (germline): Uncertain significance (1 of 4 stars; one submission).

Allele frequency attached by ClinVar (database versions not stated): gnomAD 0.00001; gnomAD exomes 0.00001.
gnomAD v4.1: 14 of 1,614,144 alleles (0.00087%); highest among the groups gnomAD compares: Non-Finnish European, 0.00085%; no homozygotes.

Submission:

Labcorp Genetics (formerly Invitae), Labcorp
Classification: Uncertain significance. Last evaluated: 2022-06-19. Review status: criteria provided, single submitter. Criteria: Invitae Variant Classification Sherloc (09022015). Collection method: clinical testing. Allele origin: germline.
Comment: In summary, the available evidence is currently insufficient to determine the role of this variant in disease. Therefore, it has been classified as a Variant of Uncertain Significance. Algorithms developed to predict the effect of missense changes on protein structure and function are either unavailable or do not agree on the potential impact of this missense change (SIFT: "Tolerated"; PolyPhen-2: "Possibly Damaging"; Align-GVGD: "Class C0"). This variant has not been reported in the literature in individuals affected with ABHD5-related conditions. This variant is not present in population databases (gnomAD no frequency). This sequence change replaces valine, which is neutral and non-polar, with methionine, which is neutral and non-polar, at codon 127 of the ABHD5 protein (p.Val127Met).